The following is an entry in ClinVar:

ClinVar aggregate classification (germline): Pathogenic (0 of 4 stars; one submission).

Conditions:
Premature ovarian failure 3 (POF3). Identifiers: MedGen C1837008, MONDO:0012169, OMIM 608996.

Submission:

Institute of Reproductive and Stem Cell Engineering, Central South University
Classification: Pathogenic for Premature ovarian failure 3. Last evaluated: 2018-01-29. Review status: no assertion criteria provided. Collection method: research, in vitro. Allele origin: germline, not applicable. Inheritance: Sporadic. Affected: yes.
Comment: The novel mutation identified in the present study will enhance the present knowledge of the mutation spectrum of FOXL2. The in vitro experiments provide further insights into the molecular mechanism by which the new variant mediate disease pathogenesis and may contribute to elucidating the genotype-phenotype correlation between the novel FOXL2 mutation and POI.

Literature cited by the submitters: PubMed 29378385.

NM_023067.4(FOXL2):c.462_468del (p.Pro156fs)

Gene: FOXL2 (forkhead box L2; minus strand). Cytogenetic location: 3q22.3.
Variant type: Deletion.
Coding change: c.462_468del on transcript NM_023067.4 (MANE Select); coding-DNA positions 462 to 468, 7 bases deleted (GCCGCCG; older notation c.462_468delGCCGCCG).
Protein change: p.Pro156fs; shifts the reading frame from proline 156.
Molecular consequence: frameshift variant.
Genome position (GRCh38, 1-based): chr3:138,946,255-138,946,261, CGGCGGC deleted on the plus strand (GCCGCCG on the coding strand, the reverse complement: FOXL2 is on the minus strand); deleting any 7 consecutive bases within chr3:138,946,255-138,946,264 gives the same sequence; the c. name uses the placement nearest the transcript's 3' end. VCF-style (leftmost placement, unchanged base first): chr3-138946254-GCGGCGGC-G. GRCh37 (hg19) VCF-style: chr3-138665096-GCGGCGGC-G.
Other names: short protein forms P156fs.
Identifiers: ClinVar variation 522614 (VCV000522614.2), dbSNP rs1553752894, ClinGen allele CA658796386.
Genomic context (GRCh38, chr3:138,946,254, plus strand): 5'-CGCACCCGCCTGCGGCGCCTCCGGCCCCGAAGAGCCCCTTGCCGGGCTGGAAGTGCGCGG[GCGGCGGC>G]CGGAAGGGCCTCTTCATGCGGCGGCGGCGCCGGTAGTTGCCCTTCTCGAACATGTCTTCG-3'